The following is an entry in ClinVar:

NM_000020.3(ACVRL1):c.602A>C (p.Gln201Pro)

Gene: ACVRL1 (activin A receptor like type 1; plus strand). Cytogenetic location: 12q13.13.
Variant type: single nucleotide variant.
Coding change: c.602A>C on transcript NM_000020.3 (MANE Select); coding-DNA position 602, A replaced by C.
Protein change: p.Gln201Pro; replaces glutamine 201 with proline.
Molecular consequence: missense variant. On other transcripts: intron variant (6).
Genome position (GRCh38, 1-based): chr12:51,914,050, A>C. VCF-style: chr12-51914050-A-C. GRCh37 (hg19) VCF-style: chr12-52307834-A-C.
Other names: c.602A>C, p.Gln201Pro (NM_001077401.2, NM_001406487.1, NM_001406488.1 and 1 more transcripts); c.314-389A>C (NM_001406491.1, NM_001406490.1, NM_001406492.1 and 2 more transcripts); c.62-389A>C (NM_001406495.1); short protein forms Q201P.
Identifiers: ClinVar variation 4709968 (VCV004709968.1).

ClinVar aggregate classification (germline): Pathogenic (1 of 4 stars; one submission).

Conditions:
Telangiectasia, hereditary hemorrhagic, type 2 (HHT2). Also called: Telangiectasia, hereditary hemorrhagic, type II; ACVRL1-Related Hereditary Hemorrhagic Telangiectasia. Identifiers: Orphanet 774, MedGen C1838163, MONDO:0010880, OMIM 600376. Disease mechanism: loss of function.

Submission:

Labcorp Genetics (formerly Invitae), Labcorp
Classification: Pathogenic for Telangiectasia, hereditary hemorrhagic, type 2. Last evaluated: 2025-10-13. Review status: criteria provided, single submitter. Criteria: Invitae Variant Classification Sherloc (09022015). Collection method: clinical testing. Allele origin: germline.
Comment: This sequence change replaces glutamine, which is neutral and polar, with proline, which is neutral and non-polar, at codon 201 of the ACVRL1 protein (p.Gln201Pro). This variant is not present in population databases (gnomAD no frequency). This missense change has been observed in individual(s) with hereditary hemorrhagic telangiectasia (PMID: 32300199). Invitae Evidence Modeling of protein sequence and biophysical properties (such as structural, functional, and spatial information, amino acid conservation, physicochemical variation, residue mobility, and thermodynamic stability) indicates that this missense variant is expected to disrupt ACVRL1 protein function with a positive predictive value of 95%. This variant disrupts the p.Gln201 amino acid residue in ACVRL1. Other variant(s) that disrupt this residue have been observed in individuals with ACVRL1-related conditions (PMID: 20056902, 24001356, 34966542), which suggests that this may be a clinically significant amino acid residue. For these reasons, this variant has been classified as Pathogenic.

Literature cited by the submitters: PubMed 32300199; PubMed 20056902; PubMed 24001356; PubMed 34966542.